The following is an entry in ClinVar:

NM_005035.4(POLRMT):c.2775C>A (p.Cys925Ter)

Gene: POLRMT (RNA polymerase mitochondrial; minus strand). Cytogenetic location: 19p13.3.
Variant type: single nucleotide variant.
Coding change: c.2775C>A on transcript NM_005035.4 (MANE Select); coding-DNA position 2775, C replaced by A.
Protein change: p.Cys925Ter; replaces cysteine 925 with a stop codon.
Molecular consequence: nonsense.
Genome position (GRCh38, 1-based): chr19:620,069, G>T on the plus strand (C>A on the coding strand, the complement: POLRMT is on the minus strand). VCF-style: chr19-620069-G-T. GRCh37 (hg19) VCF-style: chr19-620069-G-T.
Other names: short protein forms C925*.
Identifiers: ClinVar variation 1341476 (VCV001341476.8), dbSNP rs55752843, ClinGen allele CA303939414.

ClinVar aggregate classification (germline): Conflicting classifications of pathogenicity. Review status: criteria provided, conflicting classifications (1 of 4 stars). 4 submissions from 4 submitters: Pathogenic (2); Uncertain significance (1). 1 of the submissions does not count toward it. Last evaluated 2025-02-16.

Conditions:
Combined oxidative phosphorylation deficiency 55 (COXPD55). Identifiers: MedGen C5676915, MONDO:0859228, OMIM 619743.

gnomAD v4.1: 10 of 1,543,098 alleles (0.00065%); highest among the groups gnomAD compares: Non-Finnish European, 0.00087%; no homozygotes.

Submissions (4):

Laboratory of Genetics, Children's Clinical University Hospital Latvia
Classification: Pathogenic. Last evaluated: 2025-02-16. Review status: criteria provided, single submitter. Criteria: ACMG Guidelines, 2015. Collection method: clinical testing. Allele origin: germline. Affected: yes.

Blueprint Genetics
Classification: Uncertain significance. Last evaluated: 2024-06-26. Review status: criteria provided, single submitter. Criteria: ACMG Guidelines, 2015. Collection method: clinical testing. Allele origin: germline.

3billion
Classification: Pathogenic for Combined oxidative phosphorylation deficiency 55. Last evaluated: 2023-10-16. Review status: criteria provided, single submitter. Criteria: ACMG Guidelines, 2015. Collection method: clinical testing. Allele origin: germline. Affected: yes.
Comment: The variant is observed at an extremely low frequency in the gnomAD v2.1.1 dataset (total allele frequency: 0.013%). Predicted Consequence/Location: Stop-gained (nonsense): predicted to result in a loss or disruption of normal protein function through nonsense-mediated decay (NMD) or protein truncation. Multiple pathogenic variants are reported downstream of the variant. The variant has been reported to be associated with POLRMT related disorder (ClinVar ID: VCV001341476 /PMID: 33602924). Therefore, this variant is classified as Pathogenic according to the recommendation of ACMG/AMP guideline.

OMIM
Classification: Pathogenic for COMBINED OXIDATIVE PHOSPHORYLATION DEFICIENCY 55. Last evaluated: 2025-12-29. Review status: no assertion criteria provided. Collection method: literature only. Allele origin: germline. Not counted in ClinVar's aggregate classification.

Literature cited by the submitters: PubMed 33602924 (cited by 3billion and OMIM); PubMed 40583167 (cited by OMIM).